The following is an entry in ClinVar:

NM_000548.5(TSC2):c.3401G>A (p.Gly1134Asp)

Gene: TSC2 (TSC complex subunit 2; plus strand). Cytogenetic location: 16p13.3.
Variant type: single nucleotide variant.
Coding change: c.3401G>A on transcript NM_000548.5 (MANE Select); coding-DNA position 3401, G replaced by A.
Protein change: p.Gly1134Asp; replaces glycine 1134 with aspartic acid.
Molecular consequence: missense variant.
Genome position (GRCh38, 1-based): chr16:2,080,168, G>A. VCF-style: chr16-2080168-G-A. GRCh37 (hg19) VCF-style: chr16-2130169-G-A.
Other names: c.3269G>A, p.Gly1090Asp (NM_001077183.3, NM_001370404.1); c.3401G>A, p.Gly1134Asp (NM_001114382.3); c.3161G>A, p.Gly1054Asp (NM_001318827.2); c.3125G>A, p.Gly1042Asp (NM_001318829.2); c.2669G>A, p.Gly890Asp (NM_001318831.2); c.3302G>A, p.Gly1101Asp (NM_001318832.2); c.3272G>A, p.Gly1091Asp (NM_001363528.2, NM_001370405.1, NM_021055.3); c.3401G>A (NM_000548.4); short protein forms G1134D, G890D, G1042D, G1091D, G1054D, G1101D, G1090D.
Identifiers: ClinVar variation 572797 (VCV000572797.21), dbSNP rs766223343, ClinGen allele CA046733.

ClinVar aggregate classification (germline): Conflicting classifications of pathogenicity. Review status: criteria provided, conflicting classifications (1 of 4 stars). 6 submissions from 6 submitters: Uncertain significance (4); Benign (1). 1 of the submissions does not count toward it. Last evaluated 2026-04-22.

Conditions:
Tuberous sclerosis syndrome (TSC). Also called: Tuberous Sclerosis Complex; Tuberous sclerosis. Identifiers: Orphanet 805, MedGen C0041341, MONDO:0001734.
Hereditary cancer-predisposing syndrome. Also called: Tumor predisposition; Hereditary Cancer Syndrome; Neoplastic Syndromes, Hereditary; Hereditary neoplastic syndrome. Identifiers: Orphanet 140162, MedGen C0027672, MeSH D009386, MONDO:0015356.
Tuberous sclerosis 2 (TSC2). Identifiers: Orphanet 805, MedGen C1860707, MONDO:0013199, OMIM 613254.
TSC2-related disorder. Also called: TSC2-Related Disorders; TSC2-related condition.

Allele frequency attached by ClinVar (database versions not stated): TOPMed 0.00001; gnomAD exomes 0.00001; ExAC 0.00001.
gnomAD v4.1: 3 of 1,612,940 alleles (0.00019%); highest among the groups gnomAD compares: South Asian, 0.0011%; no homozygotes.

Submissions (6):

Ambry Genetics
Classification: Uncertain significance for Hereditary cancer-predisposing syndrome. Last evaluated: 2026-04-22. Review status: criteria provided, single submitter. Criteria: Ambry Variant Classification Scheme 2023. Collection method: clinical testing. Allele origin: germline.
Comment: The p.G1134D variant (also known as c.3401G>A), located in coding exon 29 of the TSC2 gene, results from a G to A substitution at nucleotide position 3401. The glycine at codon 1134 is replaced by aspartic acid, an amino acid with similar properties. This variant was detected as heterozygous in individuals with no reported features of tuberous sclerosis complex (Ambry internal data). In addition, this alteration is predicted to be deleterious by in silico analysis. Based on the available evidence, the clinical significance of this variant remains unclear.

Labcorp Genetics (formerly Invitae), Labcorp
Classification: Benign for Tuberous sclerosis 2. Last evaluated: 2026-01-31. Review status: criteria provided, single submitter. Criteria: Invitae Variant Classification Sherloc (09022015). Collection method: clinical testing. Allele origin: germline.

Color Diagnostics, LLC DBA Color Health
Classification: Uncertain significance for Tuberous sclerosis syndrome. Last evaluated: 2025-07-08. Review status: criteria provided, single submitter. Criteria: ACMG Guidelines, 2015. Collection method: clinical testing. Allele origin: germline.
Comment: This missense variant replaces glycine with aspartic acid at codon 1134 of the TSC2 protein. Computational prediction is inconclusive regarding the impact of this variant on protein structure and function. To our knowledge, functional studies have not been reported for this variant. This variant has not been reported in individuals affected with TSC2-related disorders in the literature. This variant has been identified in 2/250254 chromosomes in the general population by the Genome Aggregation Database (gnomAD). The available evidence is insufficient to determine the role of this variant in disease conclusively. Therefore, this variant is classified as a Variant of Uncertain Significance.

GeneDx
Classification: Uncertain significance. Last evaluated: 2023-11-14. Review status: criteria provided, single submitter. Criteria: GeneDx Variant Classification Process June 2021. Collection method: clinical testing. Allele origin: germline. Affected: yes.
Comment: In silico analysis supports that this missense variant has a deleterious effect on protein structure/function; Has not been previously published as pathogenic or benign to our knowledge

Genome-Nilou Lab
Classification: Uncertain significance for Tuberous sclerosis 2. Last evaluated: 2021-11-07. Review status: criteria provided, single submitter. Criteria: ACMG Guidelines, 2015. Collection method: clinical testing. Allele origin: germline. Affected: no.

PreventionGenetics, part of Exact Sciences
Classification: Uncertain significance for TSC2-related condition. Last evaluated: 2024-08-24. Review status: no assertion criteria provided. Collection method: clinical testing. Allele origin: germline. Not counted in ClinVar's aggregate classification.
Comment: The TSC2 c.3401G>A variant is predicted to result in the amino acid substitution p.Gly1134Asp. To our knowledge, this variant has not been reported in the literature. This variant is reported in 0.0018% of alleles in individuals of European (Non-Finnish) descent in gnomAD. At this time, the clinical significance of this variant is uncertain due to the absence of conclusive functional and genetic evidence.